The following is an entry in ClinVar:

ClinVar aggregate classification (germline): Likely benign. Review status: criteria provided, multiple submitters, no conflicts (2 of 4 stars). 3 submissions from 3 submitters: Likely benign (3). Last evaluated 2025-08-10.

Conditions:
Aortic aneurysm, familial thoracic 7 (AAT7). Also called: AORTIC DISSECTION, FAMILIAL, WITH OR WITHOUT AORTIC ANEURYSM. Identifiers: MedGen C3151077, MONDO:0013418, OMIM 613780.
Familial thoracic aortic aneurysm and aortic dissection (TAAD). Also called: Thoracic aortic aneurysms and dissections. Identifiers: Orphanet 91387, MedGen C4707243, MONDO:0019625.

Allele frequency attached by ClinVar (database versions not stated): gnomAD exomes below 0.00001; gnomAD 0.00001.
gnomAD v4.1: 2 of 1,613,690 alleles (0.00012%); no homozygotes.

Submissions (3):

Labcorp Genetics (formerly Invitae), Labcorp
Classification: Likely benign for Aortic aneurysm, familial thoracic 7. Last evaluated: 2025-08-10. Review status: criteria provided, single submitter. Criteria: Invitae Variant Classification Sherloc (09022015). Collection method: clinical testing. Allele origin: germline.

Ambry Genetics
Classification: Likely benign for Familial thoracic aortic aneurysm and aortic dissection. Last evaluated: 2023-02-11. Review status: criteria provided, single submitter. Criteria: Ambry Variant Classification Scheme 2023. Collection method: clinical testing. Allele origin: germline.

GeneDx
Classification: Likely benign. Last evaluated: 2017-12-26. Review status: criteria provided, single submitter. Criteria: GeneDx Variant Classification (06012015). Collection method: clinical testing. Allele origin: germline. Affected: yes.
Comment: This variant is considered likely benign or benign based on one or more of the following criteria: it is a conservative change, it occurs at a poorly conserved position in the protein, it is predicted to be benign by multiple in silico algorithms, and/or has population frequency not consistent with disease.

NM_053025.4(MYLK):c.492T>A (p.Ala164=)

Gene: MYLK (myosin light chain kinase; minus strand). Cytogenetic location: 3q21.1.
Variant type: single nucleotide variant.
Coding change: c.492T>A on transcript NM_053025.4 (MANE Select); coding-DNA position 492, T replaced by A.
Protein change: p.Ala164=; no amino-acid change (alanine 164 retained).
Molecular consequence: synonymous variant. On other transcripts: 5 prime UTR variant (1).
Genome position (GRCh38, 1-based): chr3:123,738,993, A>T on the plus strand (T>A on the coding strand, the complement: MYLK is on the minus strand). VCF-style: chr3-123738993-A-T. GRCh37 (hg19) VCF-style: chr3-123457840-A-T.
Other names: c.-37T>A (NM_001321309.2); c.492T>A, p.Ala164= (NM_053026.4, NM_053027.4, NM_053028.4).
Identifiers: ClinVar variation 514192 (VCV000514192.6), dbSNP rs1258789113, ClinGen allele CA435307374.